The following is an entry in ClinVar:

NM_032578.4(MYPN):c.2816C>T (p.Thr939Met)

Gene: MYPN (myopalladin; plus strand). Cytogenetic location: 10q21.3.
Variant type: single nucleotide variant.
Coding change: c.2816C>T on transcript NM_032578.4 (MANE Select); coding-DNA position 2816, C replaced by T.
Protein change: p.Thr939Met; replaces threonine 939 with methionine.
Molecular consequence: missense variant. On other transcripts: non-coding transcript variant (2).
Genome position (GRCh38, 1-based): chr10:68,189,017, C>T. VCF-style: chr10-68189017-C-T. GRCh37 (hg19) VCF-style: chr10-69948774-C-T.
Other names: c.2816C>T (NM_032578.2); c.2816C>T, p.Thr939Met (NM_001256267.2); c.1934C>T, p.Thr645Met (NM_001256268.2); short protein forms T645M, T939M.
Identifiers: ClinVar variation 853242 (VCV000853242.11), dbSNP rs778346244, ClinGen allele CA5522876.

ClinVar aggregate classification (germline): Uncertain significance. Review status: criteria provided, multiple submitters, no conflicts (2 of 4 stars). 4 submissions from 4 submitters: Uncertain significance (4). Last evaluated 2026-05-14.

Conditions:
MYPN-related disorder. Also called: MYPN-related condition.
Cardiovascular phenotype. Identifiers: MedGen CN230736.
Dilated cardiomyopathy 1KK (CMD1KK). Identifiers: Orphanet 154, Orphanet 75249, MedGen C3714995, MONDO:0014100, OMIM 615248.

Allele frequency attached by ClinVar (database versions not stated): ExAC 0.00001; gnomAD exomes 0.00001 and 0.00002.
gnomAD v4.1: 14 of 1,614,114 alleles (0.00087%); highest among the groups gnomAD compares: Admixed American, 0.005%; no homozygotes.

Submissions (4):

Ambry Genetics
Classification: Uncertain significance for Cardiovascular phenotype. Last evaluated: 2026-05-14. Review status: criteria provided, single submitter. Criteria: Ambry Variant Classification Scheme 2023. Collection method: clinical testing. Allele origin: germline.
Comment: The p.T939M variant (also known as c.2816C>T), located in coding exon 12 of the MYPN gene, results from a C to T substitution at nucleotide position 2816. The threonine at codon 939 is replaced by methionine, an amino acid with similar properties. This amino acid position is conserved. In addition, the in silico prediction for this alteration is inconclusive. Based on the available evidence, the clinical significance of this variant remains unclear.

PreventionGenetics, part of Exact Sciences
Classification: Uncertain significance for MYPN-related condition. Last evaluated: 2025-07-23. Review status: criteria provided, single submitter. Criteria: ACMG Guidelines, 2015. Collection method: clinical testing. Allele origin: germline.
Comment: The MYPN c.2816C>T variant is predicted to result in the amino acid substitution p.Thr939Met. To our knowledge, this variant has not been reported in the literature. This variant is reported in 0.0087% of alleles in individuals of Latino descent in gnomAD. At this time, the clinical significance of this variant is uncertain due to the absence of conclusive functional and genetic evidence.

Labcorp Genetics (formerly Invitae), Labcorp
Classification: Uncertain significance for Dilated cardiomyopathy 1KK. Last evaluated: 2022-07-22. Review status: criteria provided, single submitter. Criteria: Invitae Variant Classification Sherloc (09022015). Collection method: clinical testing. Allele origin: germline.
Comment: This sequence change replaces threonine, which is neutral and polar, with methionine, which is neutral and non-polar, at codon 939 of the MYPN protein (p.Thr939Met). This variant is present in population databases (rs778346244, gnomAD 0.009%). This variant has not been reported in the literature in individuals affected with MYPN-related conditions. ClinVar contains an entry for this variant (Variation ID: 853242). Algorithms developed to predict the effect of missense changes on protein structure and function are either unavailable or do not agree on the potential impact of this missense change (SIFT: "Deleterious"; PolyPhen-2: "Benign"; Align-GVGD: "Class C0"). In summary, the available evidence is currently insufficient to determine the role of this variant in disease. Therefore, it has been classified as a Variant of Uncertain Significance.

GeneDx
Classification: Uncertain significance. Last evaluated: 2020-01-27. Review status: criteria provided, single submitter. Criteria: GeneDx Variant Classification Process June 2021. Collection method: clinical testing. Allele origin: germline. Affected: yes.
Comment: Has not been previously published as pathogenic or benign to our knowledge; Not observed at a significant frequency in large population cohorts (Lek et al., 2016); In silico analysis, which includes protein predictors and evolutionary conservation, supports that this variant does not alter protein structure/function